The following is an entry in ClinVar:

NM_001354604.2(MITF):c.470G>A (p.Ser157Asn)

Gene: MITF (melanocyte inducing transcription factor; plus strand). Cytogenetic location: 3p13.
Variant type: single nucleotide variant.
Coding change: c.470G>A on transcript NM_001354604.2 (MANE Select); coding-DNA position 470, G replaced by A.
Protein change: p.Ser157Asn; replaces serine 157 with asparagine.
Molecular consequence: missense variant. On other transcripts: intron variant (1).
Genome position (GRCh38, 1-based): chr3:69,937,937, G>A. VCF-style: chr3-69937937-G-A. GRCh37 (hg19) VCF-style: chr3-69987088-G-A.
Other names: c.149G>A, p.Ser50Asn (NM_000248.4, NM_001184968.2, NM_198158.3); c.314G>A, p.Ser105Asn (NM_001184967.2, NM_001354608.2); c.467G>A, p.Ser156Asn (NM_001354605.2, NM_001354606.2, NM_006722.3); c.419G>A, p.Ser140Asn (NM_001354607.2); c.470G>A, p.Ser157Asn (NM_198159.3); c.422G>A, p.Ser141Asn (NM_198177.3); c.93+56G>A (NM_198178.3); short protein forms S140N, S141N, S156N, S105N, S157N, S50N.
Identifiers: ClinVar variation 1972987 (VCV001972987.6), dbSNP rs775980118, ClinGen allele CA2490361.

ClinVar aggregate classification (germline): Uncertain significance. Review status: criteria provided, multiple submitters, no conflicts (2 of 4 stars). 2 submissions from 2 submitters: Uncertain significance (2). Last evaluated 2025-04-18.

Conditions:
Tietz syndrome (TADS). Also called: ALBINISM-DEAFNESS OF TIETZ; TIETZ ALBINISM-DEAFNESS SYNDROME; HYPOPIGMENTATION/DEAFNESS OF TIETZ. Identifiers: Orphanet 42665, MedGen C0391816, MONDO:0007077, OMIM 103500.
Melanoma, cutaneous malignant, susceptibility to, 8. Also called: MELANOMA AND RENAL CELL CARCINOMA, SUSCEPTIBILITY TO; Cutaneous malignant melanoma 8. Identifiers: Orphanet 293822, MedGen C3152204, MONDO:0013759, OMIM 614456.
Waardenburg syndrome type 2A (WS2A). Also called: WAARDENBURG SYNDROME WITHOUT DYSTOPIA CANTHORUM. Identifiers: Orphanet 3440, MedGen C1860339, MONDO:0008671, OMIM 193510.
Hereditary cancer-predisposing syndrome. Also called: Tumor predisposition; Hereditary Cancer Syndrome; Hereditary neoplastic syndrome; Neoplastic Syndromes, Hereditary. Identifiers: Orphanet 140162, MedGen C0027672, MeSH D009386, MONDO:0015356.

Allele frequency attached by ClinVar (database versions not stated): ExAC 0.00001.

Submissions (2):

Ambry Genetics
Classification: Uncertain significance for Hereditary cancer-predisposing syndrome. Last evaluated: 2025-04-18. Review status: criteria provided, single submitter. Criteria: Ambry Variant Classification Scheme 2023. Collection method: clinical testing. Allele origin: germline.
Comment: The p.S50N variant (also known as c.149G>A), located in coding exon 2 of the MITF gene, results from a G to A substitution at nucleotide position 149. The serine at codon 50 is replaced by asparagine, an amino acid with highly similar properties. This amino acid position is conserved. In addition, this alteration is predicted to be tolerated by in silico analysis. Based on the available evidence, the clinical significance of this variant remains unclear.

Labcorp Genetics (formerly Invitae), Labcorp
Classification: Uncertain significance for Melanoma, cutaneous malignant, susceptibility to, 8; Waardenburg syndrome type 2A; Tietz syndrome. Last evaluated: 2022-04-22. Review status: criteria provided, single submitter. Criteria: Invitae Variant Classification Sherloc (09022015). Collection method: clinical testing. Allele origin: germline.
Comment: This variant is present in population databases (rs775980118, gnomAD 0.003%). This sequence change replaces serine, which is neutral and polar, with asparagine, which is neutral and polar, at codon 50 of the MITF protein (p.Ser50Asn). This variant has not been reported in the literature in individuals affected with MITF-related conditions. In summary, the available evidence is currently insufficient to determine the role of this variant in disease. Therefore, it has been classified as a Variant of Uncertain Significance. Algorithms developed to predict the effect of missense changes on protein structure and function are either unavailable or do not agree on the potential impact of this missense change (SIFT: "Tolerated"; PolyPhen-2: "Possibly Damaging"; Align-GVGD: "Class C0").